The following is an entry in ClinVar:

NM_006019.4(TCIRG1):c.2014-14T>A

Gene: TCIRG1 (T cell immune regulator 1, ATPase H+ transporting V0 subunit a3; plus strand). Cytogenetic location: 11q13.2.
Variant type: single nucleotide variant.
Coding change: c.2014-14T>A on transcript NM_006019.4 (MANE Select); 14 bases into the intron before coding-DNA position 2014, T replaced by A.
Molecular consequence: intron variant.
Genome position (GRCh38, 1-based): chr11:68,049,948, T>A. VCF-style: chr11-68049948-T-A. GRCh37 (hg19) VCF-style: chr11-67817415-T-A.
Other names: c.2014-14T>A (NM_001440552.1, NM_001440557.1, NM_001440558.1 and 2 more transcripts); c.1801-14T>A (NM_001440559.1, NM_001440561.1, NM_001440566.1 and 2 more transcripts); c.1054-14T>A (NM_001440569.1); c.1972-14T>A (NM_001440555.1, NM_001440556.1, NM_001440563.1); c.1120-14T>A (NM_001351059.2); c.1552-14T>A (NM_001440567.1); c.1714-14T>A (NM_001440565.1); c.1759-14T>A (NM_001440564.1); and 2 more.
Identifiers: ClinVar variation 4718977 (VCV004718977.1).
Genomic context (GRCh38, chr11:68,049,948, plus strand): 5'-AGGAGCAGGCCTGGCGGGTGGTGGGGGACCTCCTGGGGCTGGAGTGCTGCCAACACTGCC[T>A]GCTCATGCCCCAGGAGGAAAACAAGGCCGGGTTGCTGGACCTGCCTGACGCATCTGTGAA-3'

ClinVar aggregate classification (germline): Uncertain significance (1 of 4 stars; one submission).

Submission:

Labcorp Genetics (formerly Invitae), Labcorp
Classification: Uncertain significance. Last evaluated: 2025-05-05. Review status: criteria provided, single submitter. Criteria: Invitae Variant Classification Sherloc (09022015). Collection method: clinical testing. Allele origin: germline.
Comment: This sequence change falls in intron 16 of the TCIRG1 gene. It does not directly change the encoded amino acid sequence of the TCIRG1 protein. This variant is not present in population databases (gnomAD no frequency). This variant has not been reported in the literature in individuals affected with TCIRG1-related conditions. Algorithms developed to predict the effect of sequence changes on RNA splicing suggest that this variant may disrupt the consensus splice site. In summary, the available evidence is currently insufficient to determine the role of this variant in disease. Therefore, it has been classified as a Variant of Uncertain Significance.